The following is an entry in ClinVar:

NM_015164.4(PLEKHM2):c.2182T>C (p.Phe728Leu)

Gene: PLEKHM2 (pleckstrin homology and RUN domain containing M2; plus strand). Cytogenetic location: 1p36.21.
Variant type: single nucleotide variant.
Coding change: c.2182T>C on transcript NM_015164.4 (MANE Select); coding-DNA position 2182, T replaced by C.
Protein change: p.Phe728Leu; replaces phenylalanine 728 with leucine.
Molecular consequence: missense variant.
Genome position (GRCh38, 1-based): chr1:15,729,903, T>C. VCF-style: chr1-15729903-T-C. GRCh37 (hg19) VCF-style: chr1-16056398-T-C.
Other names: short protein forms F728L.
Identifiers: ClinVar variation 959817 (VCV000959817.8), dbSNP rs761820612, ClinGen allele CA617158.

ClinVar aggregate classification (germline): Uncertain significance (1 of 4 stars; one submission).

Conditions:
Dilated Cardiomyopathy, Recessive.

Allele frequency attached by ClinVar (database versions not stated): ExAC 0.00001; gnomAD exomes 0.00002 and 0.00003; TOPMed 0.00002.
gnomAD v4.1: 9 of 1,612,820 alleles (0.00056%); highest among the groups gnomAD compares: Admixed American, 0.015%; no homozygotes.

Submission:

Labcorp Genetics (formerly Invitae), Labcorp
Classification: Uncertain significance. Last evaluated: 2024-04-30. Review status: criteria provided, single submitter. Criteria: Invitae Variant Classification Sherloc (09022015). Collection method: clinical testing. Allele origin: germline.
Comment: This sequence change replaces phenylalanine, which is neutral and non-polar, with leucine, which is neutral and non-polar, at codon 728 of the PLEKHM2 protein (p.Phe728Leu). This variant is present in population databases (rs761820612, gnomAD 0.02%). This variant has not been reported in the literature in individuals affected with PLEKHM2-related conditions. ClinVar contains an entry for this variant (Variation ID: 959817). An algorithm developed to predict the effect of missense changes on protein structure and function (PolyPhen-2) suggests that this variant is likely to be disruptive. In summary, the available evidence is currently insufficient to determine the role of this variant in disease. Therefore, it has been classified as a Variant of Uncertain Significance.